The following is an entry in ClinVar:

ClinVar aggregate classification (germline): Uncertain significance (1 of 4 stars; one submission).

Conditions:
Inborn genetic diseases. Identifiers: MedGen C0950123, MeSH D030342.

Submission:

Ambry Genetics
Classification: Uncertain significance for Inborn genetic diseases. Last evaluated: 2025-06-08. Review status: criteria provided, single submitter. Criteria: Ambry Variant Classification Scheme 2023. Collection method: clinical testing. Allele origin: germline.
Comment: The p.T445A variant (also known as c.1333A>G), located in coding exon 10 of the BMPR2 gene, results from an A to G substitution at nucleotide position 1333. The threonine at codon 445 is replaced by alanine, an amino acid with similar properties. This amino acid position is conserved. In addition, this alteration is predicted to be deleterious by in silico analysis. Based on the available evidence, the clinical significance of this variant remains unclear.

NM_001204.7(BMPR2):c.1333A>G (p.Thr445Ala)

Gene: BMPR2 (bone morphogenetic protein receptor type 2; plus strand). Cytogenetic location: 2q33.2.
Variant type: single nucleotide variant.
Coding change: c.1333A>G on transcript NM_001204.7 (MANE Select); coding-DNA position 1333, A replaced by G.
Protein change: p.Thr445Ala; replaces threonine 445 with alanine.
Molecular consequence: missense variant.
Genome position (GRCh38, 1-based): chr2:202,542,367, A>G. VCF-style: chr2-202542367-A-G. GRCh37 (hg19) VCF-style: chr2-203407090-A-G.
Other names: short protein forms T445A.
Identifiers: ClinVar variation 3992230 (VCV003992230.1).